The following is an entry in ClinVar:

ClinVar aggregate classification (germline): Likely pathogenic (1 of 4 stars; one submission).

Conditions:
Dyskeratosis congenita, autosomal recessive 6 (DKCB6). Identifiers: MedGen C4225356, MONDO:0014600, OMIM 616353.
Pulmonary fibrosis and/or bone marrow failure, Telomere-related, 4. Also called: PULMONARY FIBROSIS AND/OR BONE MARROW FAILURE SYNDROME, TELOMERE-RELATED, 4. Identifiers: Orphanet 2032, MedGen C4225347, MONDO:0014612, OMIM 616371.

Submission:

Labcorp Genetics (formerly Invitae), Labcorp
Classification: Likely pathogenic for Dyskeratosis congenita, autosomal recessive 6; Pulmonary fibrosis and/or bone marrow failure, Telomere-related, 4. Last evaluated: 2022-10-01. Review status: criteria provided, single submitter. Criteria: Invitae Variant Classification Sherloc (09022015). Collection method: clinical testing. Allele origin: germline.
Comment: In summary, the currently available evidence indicates that the variant is pathogenic, but additional data are needed to prove that conclusively. Therefore, this variant has been classified as Likely Pathogenic. This sequence change affects a donor splice site in intron 2 of the PARN gene. It is expected to disrupt RNA splicing. Variants that disrupt the donor or acceptor splice site typically lead to a loss of protein function (PMID: 16199547), and loss-of-function variants in PARN are known to be pathogenic (PMID: 9736620, 25848748, 26810774). This variant is not present in population databases (gnomAD no frequency). This variant has not been reported in the literature in individuals affected with PARN-related conditions. Algorithms developed to predict the effect of sequence changes on RNA splicing suggest that this variant may disrupt the consensus splice site.

Literature cited by the submitters: PubMed 16199547; PubMed 9736620; PubMed 25848748; PubMed 26810774.

NM_002582.4(PARN):c.97+2T>C

Gene: PARN (poly(A)-specific ribonuclease; minus strand). Cytogenetic location: 16p13.12.
Variant type: single nucleotide variant.
Coding change: c.97+2T>C on transcript NM_002582.4 (MANE Select); the canonical splice donor site of the intron after coding-DNA position 97, T replaced by C.
Molecular consequence: splice donor variant.
Genome position (GRCh38, 1-based): chr16:14,629,595, A>G on the plus strand (T>C on the coding strand, the complement: PARN is on the minus strand). VCF-style: chr16-14629595-A-G. GRCh37 (hg19) VCF-style: chr16-14723452-A-G.
Other names: c.-87+2T>C (NM_001134477.3); c.97+2T>C (NM_001242992.2).
Identifiers: ClinVar variation 2033617 (VCV002033617.4), dbSNP rs2508658475, ClinGen allele CA394817963.